The following is an entry in ClinVar:

NM_001130987.2(DYSF):c.1343T>C (p.Val448Ala)

Gene: DYSF (dysferlin; plus strand). Cytogenetic location: 2p13.2.
Variant type: single nucleotide variant.
Coding change: c.1343T>C on transcript NM_001130987.2 (MANE Select); coding-DNA position 1343, T replaced by C.
Protein change: p.Val448Ala; replaces valine 448 with alanine.
Molecular consequence: missense variant.
Genome position (GRCh38, 1-based): chr2:71,528,364, T>C. VCF-style: chr2-71528364-T-C. GRCh37 (hg19) VCF-style: chr2-71755494-T-C.
Other names: c.1247T>C, p.Val416Ala (NM_001130976.2, NM_001130977.2, NM_001130978.2 and 1 more transcripts); c.1340T>C, p.Val447Ala (NM_001130979.2, NM_001130980.2, NM_001130981.2); c.1343T>C, p.Val448Ala (NM_001130982.2, NM_001130985.2); c.1250T>C, p.Val417Ala (NM_001130983.2, NM_001130984.2, NM_001130455.2 and 1 more transcripts); short protein forms V416A, V417A, V447A, V448A.
Identifiers: ClinVar variation 2441118 (VCV002441118.4), dbSNP rs942200789, ClinGen allele CA49773325.

ClinVar aggregate classification (germline): Uncertain significance. Review status: criteria provided, multiple submitters, no conflicts (2 of 4 stars). 2 submissions from 2 submitters: Uncertain significance (2). Last evaluated 2023-02-13.

Allele frequency attached by ClinVar (database versions not stated): gnomAD exomes below 0.00001; TOPMed 0.00002.
gnomAD v4.1: 1 of 1,614,190 alleles (0.000062%); highest among the groups gnomAD compares: African/African-American, 0.0013%; no homozygotes.

Submissions (2):

GeneDx
Classification: Uncertain significance. Last evaluated: 2023-02-13. Review status: criteria provided, single submitter. Criteria: GeneDx Variant Classification Process June 2021. Collection method: clinical testing. Allele origin: germline. Affected: yes.
Comment: Not observed at significant frequency in large population cohorts (gnomAD); In silico analysis supports that this missense variant has a deleterious effect on protein structure/function; Has not been previously published as pathogenic or benign to our knowledge; This variant is associated with the following publications: (PMID: 24438169)

Revvity Omics, Revvity
Classification: Uncertain significance. Last evaluated: 2019-11-19. Review status: criteria provided, single submitter. Criteria: ACMG Guidelines, 2015. Collection method: clinical testing. Allele origin: germline.